The following is an entry in ClinVar:

ClinVar aggregate classification (germline): Uncertain significance (1 of 4 stars; one submission).

gnomAD v4.1: 1 of 1,611,320 alleles (0.000062%); highest among the groups gnomAD compares: Admixed American, 0.0017%; no homozygotes.

Submission:

Labcorp Genetics (formerly Invitae), Labcorp
Classification: Uncertain significance. Last evaluated: 2025-04-10. Review status: criteria provided, single submitter. Criteria: Invitae Variant Classification Sherloc (09022015). Collection method: clinical testing. Allele origin: germline.
Comment: This sequence change replaces arginine, which is basic and polar, with proline, which is neutral and non-polar, at codon 162 of the GATAD2B protein (p.Arg162Pro). This variant is not present in population databases (gnomAD no frequency). This variant has not been reported in the literature in individuals affected with GATAD2B-related conditions. Invitae Evidence Modeling of protein sequence and biophysical properties (such as structural, functional, and spatial information, amino acid conservation, physicochemical variation, residue mobility, and thermodynamic stability) indicates that this missense variant is expected to disrupt GATAD2B protein function with a positive predictive value of 80%. In summary, the available evidence is currently insufficient to determine the role of this variant in disease. Therefore, it has been classified as a Variant of Uncertain Significance.

NM_020699.4(GATAD2B):c.485G>C (p.Arg162Pro)

Gene: GATAD2B (GATA zinc finger domain containing 2B; minus strand). Cytogenetic location: 1q21.3.
Variant type: single nucleotide variant.
Coding change: c.485G>C on transcript NM_020699.4 (MANE Select); coding-DNA position 485, G replaced by C.
Protein change: p.Arg162Pro; replaces arginine 162 with proline.
Molecular consequence: missense variant.
Genome position (GRCh38, 1-based): chr1:153,818,903, C>G on the plus strand (G>C on the coding strand, the complement: GATAD2B is on the minus strand). VCF-style: chr1-153818903-C-G. GRCh37 (hg19) VCF-style: chr1-153791379-C-G.
Other names: short protein forms R162P.
Identifiers: ClinVar variation 4747340 (VCV004747340.1).
Genomic context (GRCh38, chr1:153,818,903, plus strand): 5'-AGGACCAGTCGGGCTTCTTCCAATCGTAGCTCATCCCTCAGCTGCTTGATAAGCTGCTGC[C>G]GCTCCTCAATGCCTTTCCCCTAAGGAAACAAGAAGACTTTCAGCTATGGCAGCAAGGTAC-3'
Protein context (NP_065750.1, residues 152-172): EMFKGKGIEE[Arg162Pro]QQLIKQLRDE